The following is an entry in ClinVar:

NM_206933.4(USH2A):c.13474_13481del (p.Thr4492fs)

Gene: USH2A (usherin; minus strand). Cytogenetic location: 1q41.
Variant type: Deletion.
Coding change: c.13474_13481del on transcript NM_206933.4 (MANE Select); coding-DNA positions 13474 to 13481, 8 bases deleted (ACACGCTA; older notation c.13474_13481delACACGCTA).
Protein change: p.Thr4492fs; shifts the reading frame from threonine 4492.
Molecular consequence: frameshift variant.
Genome position (GRCh38, 1-based): chr1:215,674,430-215,674,437, TAGCGTGT deleted on the plus strand (ACACGCTA on the coding strand, the reverse complement: USH2A is on the minus strand); deleting any 8 consecutive bases within chr1:215,674,430-215,674,438 gives the same sequence; the c. name uses the placement nearest the transcript's 3' end. VCF-style (leftmost placement, unchanged base first): chr1-215674429-ATAGCGTGT-A. GRCh37 (hg19) VCF-style: chr1-215847771-ATAGCGTGT-A.
Other names: short protein forms T4492fs.
Identifiers: ClinVar variation 2100623 (VCV002100623.4), dbSNP rs2464895076, ClinGen allele CA2580062225.
Genomic context (GRCh38, chr1:215,674,429, plus strand): 5'-GCTGTTGCTGGCAGTTACTGTGTAGCTATACTCCACACCTGGGGTGAGAGTAAAATCACG[ATAGCGTGT>A]TTCCAAGCCTGTATATACAATGGTTCCATCCCTCCTAAGTTCATAACTTCTGATCTGGCC-3'

ClinVar aggregate classification (germline): Pathogenic (1 of 4 stars; one submission).

Submission:

Labcorp Genetics (formerly Invitae), Labcorp
Classification: Pathogenic. Last evaluated: 2024-02-17. Review status: criteria provided, single submitter. Criteria: Invitae Variant Classification Sherloc (09022015). Collection method: clinical testing. Allele origin: germline.
Comment: This sequence change creates a premature translational stop signal (p.Thr4492Serfs*2) in the USH2A gene. It is expected to result in an absent or disrupted protein product. Loss-of-function variants in USH2A are known to be pathogenic (PMID: 10729113, 10909849, 20507924, 25649381). This variant is not present in population databases (gnomAD no frequency). This variant has not been reported in the literature in individuals affected with USH2A-related conditions. ClinVar contains an entry for this variant (Variation ID: 2100623). For these reasons, this variant has been classified as Pathogenic.

Literature cited by the submitters: PubMed 10729113; PubMed 10909849; PubMed 20507924; PubMed 25649381.